The following is an entry in ClinVar:

NM_020928.2(ZSWIM6):c.2248G>A (p.Gly750Arg)

Gene: ZSWIM6 (zinc finger SWIM-type containing 6; plus strand). Cytogenetic location: 5q12.1.
Variant type: single nucleotide variant.
Coding change: c.2248G>A on transcript NM_020928.2 (MANE Select); coding-DNA position 2248, G replaced by A.
Protein change: p.Gly750Arg; replaces glycine 750 with arginine.
Molecular consequence: missense variant.
Genome position (GRCh38, 1-based): chr5:61,535,486, G>A. VCF-style: chr5-61535486-G-A. GRCh37 (hg19) VCF-style: chr5-60831313-G-A.
Other names: short protein forms G750R.
Identifiers: ClinVar variation 1806114 (VCV001806114.3), dbSNP rs2478378890, ClinGen allele CA359944924.

ClinVar aggregate classification (germline): Uncertain significance. Review status: criteria provided, multiple submitters, no conflicts (2 of 4 stars). 3 submissions from 3 submitters: Uncertain significance (3). Last evaluated 2025-10-22.

Conditions:
Inborn genetic diseases. Identifiers: MedGen C0950123, MeSH D030342.
Acromelic frontonasal dysostosis (AFND). Identifiers: Orphanet 1827, MedGen C1863616, MONDO:0011359, OMIM 603671.

Allele frequency attached by ClinVar (database versions not stated): gnomAD exomes below 0.00001.
gnomAD v4.1: 1 of 1,551,148 alleles (0.000064%); highest among the groups gnomAD compares: Non-Finnish European, 0.000087%; no homozygotes.

Submissions (3):

Ambry Genetics
Classification: Uncertain significance for Inborn genetic diseases. Last evaluated: 2025-10-22. Review status: criteria provided, single submitter. Criteria: Ambry Variant Classification Scheme 2023. Collection method: clinical testing. Allele origin: germline.

Blueprint Genetics
Classification: Uncertain significance. Last evaluated: 2022-10-14. Review status: criteria provided, single submitter. Criteria: ACMG Guidelines, 2015. Collection method: clinical testing. Allele origin: germline.

Victorian Clinical Genetics Services, Murdoch Childrens Research Institute
Classification: Uncertain significance for Acromelic frontonasal dysostosis. Last evaluated: 2020-10-19. Review status: criteria provided, single submitter. Criteria: ACMG Guidelines, 2015. Collection method: clinical testing. Allele origin: germline. Inheritance: Autosomal dominant inheritance. Affected: yes.
Comment: Based on the classification scheme VCGS_Germline_v1.3.3, this variant is classified as VUS-3A. Following criteria are met: 0105 - The mechanism of disease for this gene is not clearly established. (I) 0107 - This gene is associated with autosomal dominant disease. (I) 0200 - Variant is predicted to result in a missense amino acid change from glycine to arginine. (I) 0251 - This variant is heterozygous. (I) 0301 - Variant is absent from gnomAD (both v2 and v3). (SP) 0501 - Missense variant consistently predicted to be damaging by multiple in silico tools or highly conserved with a major amino acid change. (SP) 0604 - Variant is not located in an established domain, motif, hotspot or informative constraint region. (I) 0705 - No comparable missense variants have previous evidence for pathogenicity. (I) 0807 - This variant has no previous evidence of pathogenicity. (I) 0905 - No published segregation evidence has been identified for this variant. (I) 1007 - No published functional evidence has been identified for this variant. (SP) Legend: (SP) - Supporting pathogenic, (I) - Information, (SB) - Supporting benign